The following is an entry in ClinVar:

ClinVar aggregate classification (germline): Uncertain significance. Review status: criteria provided, multiple submitters, no conflicts (2 of 4 stars). 2 submissions from 2 submitters: Uncertain significance (2). Last evaluated 2024-03-11.

Conditions:
Familial temporal lobe epilepsy 5. Identifiers: MedGen C3280730, MONDO:0013741, OMIM 614417.
Febrile seizures, familial, 11 (FEB11). Also called: CONVULSIONS, FAMILIAL FEBRILE, 11. Identifiers: MedGen C3280734, MONDO:0024566, OMIM 614418.

Allele frequency attached by ClinVar (database versions not stated): gnomAD exomes 0.00010 and 0.00003; 1000 Genomes Project 30x 0.00078; 1000 Genomes Project 0.00080; gnomAD 0.00002 and 0.00009; TOPMed 0.00003; ESP Exome Variant Server 0.00008; ExAC 0.00009.
gnomAD v4.1: 60 of 1,593,778 alleles (0.0038%); highest among the groups gnomAD compares: South Asian, 0.035%; no homozygotes.

Submissions (2):

Labcorp Genetics (formerly Invitae), Labcorp
Classification: Uncertain significance for Febrile seizures, familial, 11. Last evaluated: 2024-03-11. Review status: criteria provided, single submitter. Criteria: Invitae Variant Classification Sherloc (09022015). Collection method: clinical testing. Allele origin: germline.
Comment: This sequence change replaces glycine, which is neutral and non-polar, with valine, which is neutral and non-polar, at codon 242 of the CPA6 protein (p.Gly242Val). This variant is present in population databases (rs372728943, gnomAD 0.04%), and has an allele count higher than expected for a pathogenic variant. This variant has not been reported in the literature in individuals affected with CPA6-related conditions. ClinVar contains an entry for this variant (Variation ID: 657933). Advanced modeling of protein sequence and biophysical properties (such as structural, functional, and spatial information, amino acid conservation, physicochemical variation, residue mobility, and thermodynamic stability) performed at Invitae indicates that this missense variant is expected to disrupt CPA6 protein function with a positive predictive value of 80%. Algorithms developed to predict the effect of sequence changes on RNA splicing suggest that this variant may disrupt the consensus splice site. In summary, the available evidence is currently insufficient to determine the role of this variant in disease. Therefore, it has been classified as a Variant of Uncertain Significance.

Fulgent Genetics
Classification: Uncertain significance for Familial temporal lobe epilepsy 5; Febrile seizures, familial, 11. Last evaluated: 2021-11-05. Review status: criteria provided, single submitter. Criteria: ACMG Guidelines, 2015. Collection method: clinical testing. Allele origin: unknown.

NM_020361.5(CPA6):c.725G>T (p.Gly242Val)

Genes: ARFGEF1-DT (ARFGEF1 divergent transcript; plus strand), CPA6 (carboxypeptidase A6; minus strand). Cytogenetic location: 8q13.2.
Variant type: single nucleotide variant.
Coding change: c.725G>T on transcript NM_020361.5 (MANE Select); coding-DNA position 725, G replaced by T.
Protein change: p.Gly242Val; replaces glycine 242 with valine.
Molecular consequence: missense variant.
Genome position (GRCh38, 1-based): chr8:67,484,701, C>A on the plus strand (G>T on the coding strand, the complement: CPA6 is on the minus strand). VCF-style: chr8-67484701-C-A. GRCh37 (hg19) VCF-style: chr8-68396936-C-A.
Other names: short protein forms G242V.
Identifiers: ClinVar variation 657933 (VCV000657933.10), dbSNP rs372728943, ClinGen allele CA4772885.
Genomic context (GRCh38, chr8:67,484,701, plus strand): 5'-TTAGTCCTCTTTTCAACTGGGTAGGCAAAGTGACTTACATTGGTCCAACTAAAATGGTAT[C>A]CATCGACGTTAAACACAGGCATGATATAGAAATATAGATGATTCAACATTTTTCTCATGG-3'
Protein context (NP_065094.3, residues 232-252): FYIMPVFNVD[Gly242Val]YHFSWTNDRF